The following is an entry in ClinVar:

ClinVar aggregate classification (germline): Uncertain significance. Review status: criteria provided, single submitter (1 of 4 stars). 2 submissions from 2 submitters: Uncertain significance (1). 1 of the submissions does not count toward it. Last evaluated 2022-02-10.

Conditions:
Maple syrup urine disease type 1A (MSUD1A). Also called: MSUD type 1A. Identifiers: MedGen C1855369, MONDO:0023691, OMIM 248600.
Maple syrup urine disease (MSUD). Identifiers: Orphanet 511, MedGen C0024776, MeSH D008375, MONDO:0009563. Disease mechanism: loss of function.

Allele frequency attached by ClinVar (database versions not stated): gnomAD exomes 0.00002.
gnomAD v4.1: 27 of 1,613,904 alleles (0.0017%); highest among the groups gnomAD compares: Admixed American, 0.012%; no homozygotes.

Submissions (2):

Labcorp Genetics (formerly Invitae), Labcorp
Classification: Uncertain significance for Maple syrup urine disease. Last evaluated: 2022-02-10. Review status: criteria provided, single submitter. Criteria: Invitae Variant Classification Sherloc (09022015). Collection method: clinical testing. Allele origin: germline.
Comment: This sequence change replaces arginine, which is basic and polar, with glutamine, which is neutral and polar, at codon 316 of the BCKDHA protein (p.Arg316Gln). This variant is present in population databases (no rsID available, gnomAD 0.009%). This variant has not been reported in the literature in individuals affected with BCKDHA-related conditions. ClinVar contains an entry for this variant (Variation ID: 1035138). Advanced modeling of protein sequence and biophysical properties (such as structural, functional, and spatial information, amino acid conservation, physicochemical variation, residue mobility, and thermodynamic stability) performed at Invitae indicates that this missense variant is expected to disrupt BCKDHA protein function. In summary, the available evidence is currently insufficient to determine the role of this variant in disease. Therefore, it has been classified as a Variant of Uncertain Significance.

Natera, Inc.
Classification: Uncertain significance for Maple syrup urine disease type 1A. Last evaluated: 2020-02-26. Review status: no assertion criteria provided. Collection method: clinical testing. Allele origin: germline. Not counted in ClinVar's aggregate classification.

NM_000709.4(BCKDHA):c.947G>A (p.Arg316Gln)

Gene: BCKDHA (branched chain keto acid dehydrogenase E1 subunit alpha; plus strand). Cytogenetic location: 19q13.2.
Variant type: single nucleotide variant.
Coding change: c.947G>A on transcript NM_000709.4 (MANE Select); coding-DNA position 947, G replaced by A.
Protein change: p.Arg316Gln; replaces arginine 316 with glutamine.
Molecular consequence: missense variant.
Genome position (GRCh38, 1-based): chr19:41,422,722, G>A. VCF-style: chr19-41422722-G-A. GRCh37 (hg19) VCF-style: chr19-41928627-G-A.
Other names: c.944G>A, p.Arg315Gln (NM_001164783.2); short protein forms R316Q, R315Q.
Identifiers: ClinVar variation 1035138 (VCV001035138.3), dbSNP rs972403437, ClinGen allele CA406013446.